The following is an entry in ClinVar:

NM_000186.4(CFH):c.*14G>A

Gene: CFH (complement factor H; plus strand). Cytogenetic location: 1q31.3.
Variant type: single nucleotide variant.
Coding change: c.*14G>A on transcript NM_000186.4 (MANE Select); 14 bases downstream of the stop codon, G replaced by A.
Molecular consequence: 3 prime UTR variant.
Genome position (GRCh38, 1-based): chr1:196,747,327, G>A. VCF-style: chr1-196747327-G-A. GRCh37 (hg19) VCF-style: chr1-196716457-G-A.
Identifiers: ClinVar variation 294527 (VCV000294527.6), dbSNP rs463726, ClinGen allele CA10608671.

ClinVar aggregate classification (germline): Uncertain significance. Review status: criteria provided, multiple submitters, no conflicts (2 of 4 stars). 5 submissions from 2 submitters: Uncertain significance (5). Last evaluated 2025-10-27.

Conditions:
Basal laminar drusen. Also called: DRUSEN OF BRUCH MEMBRANE; DRUSEN, CUTICULAR; DRUSEN, EARLY ADULT-ONSET, GROUPED. Identifiers: Orphanet 75376, MedGen C0730295, MONDO:0007472, OMIM 126700.
Age related macular degeneration 4. Identifiers: MedGen C1853147, MONDO:0012540, OMIM 610698.
CFH-Related Dense Deposit Disease / Membranoproliferative Glomerulonephritis Type II. Identifiers: MedGen CN071292.
Hemolytic uremic syndrome, atypical, susceptibility to, 1. Also called: AHUS, SUSCEPTIBILITY TO, 1. Identifiers: Orphanet 2134, Orphanet 90038, MedGen C2749604, MONDO:0009335, OMIM 235400. Disease mechanism: Other.

Allele frequency attached by ClinVar (database versions not stated): gnomAD 0.00001 and 0.00002; gnomAD exomes 0.00001; TOPMed 0.00001.
gnomAD v4.1: 25 of 1,613,920 alleles (0.0015%); highest among the groups gnomAD compares: East Asian, 0.0089%; no homozygotes.

Submissions (5):

Women's Health and Genetics/Laboratory Corporation of America, LabCorp
Classification: Uncertain significance. Last evaluated: 2025-10-27. Review status: criteria provided, single submitter. Criteria: LabCorp Variant Classification Summary - May 2015. Collection method: clinical testing. Allele origin: germline.
Comment: Variant summary: CFH c.*14G>A is located in the untranslated mRNA region downstream of the termination codon. The variant allele was found at a frequency of 8e-06 in 251312 control chromosomes (gnomAD). The available data on variant occurrences in the general population are insufficient to allow any conclusion about variant significance. To our knowledge, no occurrence of c.*14G>A in individuals affected with CFH-related conditions and no experimental evidence demonstrating its impact on protein function have been reported. ClinVar contains an entry for this variant (Variation ID: 294527). Based on the evidence outlined above, the variant was classified as uncertain significance.

Illumina Laboratory Services, Illumina
Classification: Uncertain significance for Age related macular degeneration 4. Last evaluated: 2018-01-12. Review status: criteria provided, single submitter. Criteria: ICSL Variant Classification Criteria 13 December 2019. Collection method: clinical testing. Allele origin: germline.

Illumina Laboratory Services, Illumina
Classification: Uncertain significance for Basal laminar drusen. Last evaluated: 2018-01-12. Review status: criteria provided, single submitter. Criteria: ICSL Variant Classification Criteria 13 December 2019. Collection method: clinical testing. Allele origin: germline.

Illumina Laboratory Services, Illumina
Classification: Uncertain significance for Hemolytic uremic syndrome, atypical, susceptibility to, 1. Last evaluated: 2018-01-12. Review status: criteria provided, single submitter. Criteria: ICSL Variant Classification Criteria 13 December 2019. Collection method: clinical testing. Allele origin: germline.

Illumina Laboratory Services, Illumina
Classification: Uncertain significance for Membranoproliferative glomerulonephritis with complement factor h deficiency. Last evaluated: 2018-01-12. Review status: criteria provided, single submitter. Criteria: ICSL Variant Classification Criteria 13 December 2019. Collection method: clinical testing. Allele origin: germline.